The following is an entry in ClinVar:

NM_000092.5(COL4A4):c.3124G>A (p.Gly1042Ser)

Gene: COL4A4 (collagen type IV alpha 4 chain; minus strand). Cytogenetic location: 2q36.3.
Variant type: single nucleotide variant.
Coding change: c.3124G>A on transcript NM_000092.5 (MANE Select); coding-DNA position 3124, G replaced by A.
Protein change: p.Gly1042Ser; replaces glycine 1042 with serine.
Molecular consequence: missense variant.
Genome position (GRCh38, 1-based): chr2:227,051,003, C>T on the plus strand (G>A on the coding strand, the complement: COL4A4 is on the minus strand). VCF-style: chr2-227051003-C-T. GRCh37 (hg19) VCF-style: chr2-227915719-C-T.
Other names: short protein forms G1042S.
Identifiers: ClinVar variation 2921205 (VCV002921205.3), dbSNP rs2473967848, ClinGen allele CA350838986.
Genomic context (GRCh38, chr2:227,051,003, plus strand): 5'-TTGTCTCTTCCCCCACAAAGCAGTAGCCCCTTACCTGGTCACCTGGAAGTCCTGGAAAAC[C>T]AATGAACCCTCTTAGACCAGTTGAGCCTGGAGGGCCTGGGGGTCCAGGAGGCCCTGGCTG-3'
Protein context (NP_000083.3, residues 1032-1052): PGSTGLRGFI[Gly1042Ser]FPGLPGDQGE

ClinVar aggregate classification (germline): Likely pathogenic. Review status: criteria provided, multiple submitters, no conflicts (2 of 4 stars). 2 submissions from 2 submitters: Likely pathogenic (2). Last evaluated 2025-09-04.

Conditions:
Alport syndrome. Also called: Hemorrhagic familial nephritis; Hemorrhagic hereditary nephritis; Congenital hereditary hematuria. Identifiers: Orphanet 63, MedGen C1567741, MONDO:0018965.

Submissions (2):

Natera, Inc.
Classification: Likely pathogenic for Alport syndrome. Last evaluated: 2025-09-04. Review status: criteria provided, single submitter. Criteria: Natera Variant Classification Schema (03/2026). Collection method: clinical testing. Allele origin: germline.
Comment: The c.3124G>A variant in COL4A4 is a missense variant predicted to cause substitution of glycine to serine at amino acid 1042. This variant is rare in the general population with a frequency below the threshold expected for the associated phenotype(s). This variant is located in a functionally critical region of the protein. Computational prediction algorithms indicate this variant is likely to affect gene or protein function. Given the available evidence, this variant is classified as Likely Pathogenic.

ARUP Laboratories, Molecular Genetics and Genomics, ARUP Laboratories
Classification: Likely pathogenic. Last evaluated: 2024-11-11. Review status: criteria provided, single submitter. Criteria: ARUP Molecular Germline Variant Investigation Process 2024. Collection method: clinical testing. Allele origin: germline.
Comment: The COL4A4 c.3124G>A; p.Gly1042Ser variant, to our knowledge, is not reported in the medical literature or gene specific databases. This variant is also absent from the Genome Aggregation Database (v2.1.1), indicating it is not a common polymorphism. Computational analyses predict that this variant is deleterious (REVEL: 0.984). This codon is located in a Gly-X-Y triple helix repeat domain, and glycine substitutions are common pathogenic alterations in this gene (Uliana 2021). Based on available information, this variant is considered to be likely pathogenic. References: Savige J et al. Consensus statement on standards and guidelines for the molecular diagnostics of Alport syndrome: refining the ACMG criteria. Eur J Hum Genet. 2021 Aug;29(8):1186-1197. PMID: 33854215. Uliana V et al. Deciphering the pathogenesis of the COL4-related hematuric nephritis: A genotype/phenotype study. Mol Genet Genomic Med. 2021 Feb;9(2):e1576. PMID: 33369211.